The following is an entry in ClinVar:

ClinVar aggregate classification (germline): Uncertain significance. Review status: criteria provided, multiple submitters, no conflicts (2 of 4 stars). 2 submissions from 2 submitters: Uncertain significance (2). Last evaluated 2025-04-03.

Conditions:
Epileptic encephalopathy. Identifiers: MedGen C0543888, HP:0200134.

Allele frequency attached by ClinVar (database versions not stated): gnomAD exomes 0.00004 and 0.00012; ExAC 0.00014; gnomAD 0.00040 and 0.00043; TOPMed 0.00045; ESP Exome Variant Server 0.00075; 1000 Genomes Project 0.00100; 1000 Genomes Project 30x 0.00109.
gnomAD v4.1: 123 of 1,613,984 alleles (0.0076%); highest among the groups gnomAD compares: African/African-American, 0.13%; no homozygotes.

Submissions (2):

Ambry Genetics
Classification: Uncertain significance. Last evaluated: 2025-04-03. Review status: criteria provided, single submitter. Criteria: Ambry Variant Classification Scheme 2023. Collection method: clinical testing. Allele origin: germline.

Labcorp Genetics (formerly Invitae), Labcorp
Classification: Uncertain significance for Epileptic encephalopathy. Last evaluated: 2020-07-16. Review status: criteria provided, single submitter. Criteria: Invitae Variant Classification Sherloc (09022015). Collection method: clinical testing. Allele origin: germline.
Comment: In summary, the available evidence is currently insufficient to determine the role of this variant in disease. Therefore, it has been classified as a Variant of Uncertain Significance. Algorithms developed to predict the effect of missense changes on protein structure and function output the following: SIFT: "Tolerated"; PolyPhen-2: "Benign"; Align-GVGD: "Class C0". The methionine amino acid residue is found in multiple mammalian species, suggesting that this missense change does not adversely affect protein function. These predictions have not been confirmed by published functional studies and their clinical significance is uncertain. This variant has not been reported in the literature in individuals with RYR3-related conditions. This variant is present in population databases (rs114374205, ExAC 0.2%). This sequence change replaces valine with methionine at codon 4123 of the RYR3 protein (p.Val4123Met). The valine residue is weakly conserved and there is a small physicochemical difference between valine and methionine.

NM_001036.6(RYR3):c.12367G>A (p.Val4123Met)

Gene: RYR3 (ryanodine receptor 3; plus strand). Cytogenetic location: 15q14.
Variant type: single nucleotide variant.
Coding change: c.12367G>A on transcript NM_001036.6 (MANE Select); coding-DNA position 12367, G replaced by A.
Protein change: p.Val4123Met; replaces valine 4123 with methionine.
Molecular consequence: missense variant.
Genome position (GRCh38, 1-based): chr15:33,838,347, G>A. VCF-style: chr15-33838347-G-A. GRCh37 (hg19) VCF-style: chr15-34130548-G-A.
Other names: c.12352G>A, p.Val4118Met (NM_001243996.4); c.12367G>A (NM_001036.3); short protein forms V4118M, V4123M.
Identifiers: ClinVar variation 1013867 (VCV001013867.10), dbSNP rs114374205, ClinGen allele CA7461389.